The following is an entry in ClinVar:

NM_017514.5(PLXNA3):c.3248G>A (p.Gly1083Asp)

Gene: PLXNA3 (plexin A3; plus strand). Cytogenetic location: Xq28.
Variant type: single nucleotide variant.
Coding change: c.3248G>A on transcript NM_017514.5 (MANE Select); coding-DNA position 3248, G replaced by A.
Protein change: p.Gly1083Asp; replaces glycine 1083 with aspartic acid.
Molecular consequence: missense variant.
Genome position (GRCh38, 1-based): chrX:154,467,278, G>A. VCF-style: chrX-154467278-G-A. GRCh37 (hg19) VCF-style: chrX-153695621-G-A.
Other names: short protein forms G1083D.
Identifiers: ClinVar variation 4993396 (VCV004993396.1).

ClinVar aggregate classification (germline): Uncertain significance (1 of 4 stars; one submission).

Conditions:
PLXNA3-related disorder. Also called: PLXNA3-related condition.

Submission:

PreventionGenetics, part of Exact Sciences
Classification: Uncertain significance for PLXNA3-related condition. Last evaluated: 2025-08-23. Review status: criteria provided, single submitter. Criteria: ACMG Guidelines, 2015. Collection method: clinical testing. Allele origin: germline.
Comment: The PLXNA3 c.3248G>A variant is predicted to result in the amino acid substitution p.Gly1083Asp. To our knowledge, this variant has not been reported in the literature or in a large population database (gnomAD), indicating this variant is rare. At this time, the clinical significance of this variant is uncertain due to the absence of conclusive functional and genetic evidence.